The following is an entry in ClinVar:

NM_001370348.2(PHF3):c.2415T>A (p.Leu805=)

Gene: PHF3 (PHD finger protein 3; plus strand). Cytogenetic location: 6q12.
Variant type: single nucleotide variant.
Coding change: c.2415T>A on transcript NM_001370348.2 (MANE Select); coding-DNA position 2415, T replaced by A.
Protein change: p.Leu805=; no amino-acid change (leucine 805 retained).
Molecular consequence: synonymous variant.
Genome position (GRCh38, 1-based): chr6:63,691,962, T>A. VCF-style: chr6-63691962-T-A. GRCh37 (hg19) VCF-style: chr6-64401852-T-A.
Other names: c.2151T>A, p.Leu717= (NM_001290259.2, NM_001370349.2); c.222T>A, p.Leu74= (NM_001370350.2); c.2415T>A, p.Leu805= (NM_015153.4).
Identifiers: ClinVar variation 3052278 (VCV003052278.2), dbSNP rs2533254119, ClinGen allele CA450858553.

ClinVar aggregate classification (germline): Likely benign (0 of 4 stars; one submission).

Conditions:
PHF3-related disorder. Also called: PHF3-related condition.

Submission:

PreventionGenetics, part of Exact Sciences
Classification: Likely benign for PHF3-related condition. Last evaluated: 2023-07-14. Review status: no assertion criteria provided. Collection method: clinical testing. Allele origin: germline.
Comment: This variant is classified as likely benign based on ACMG/AMP sequence variant interpretation guidelines (Richards et al. 2015 PMID: 25741868, with internal and published modifications).